The following is an entry in ClinVar:

ClinVar aggregate classification (germline): Uncertain significance (1 of 4 stars; one submission).

Conditions:
Autosomal dominant polycystic kidney disease. Identifiers: Orphanet 730, MedGen C0085413, MONDO:0004691.

Submission:

Labcorp Genetics (formerly Invitae), Labcorp
Classification: Uncertain significance for Autosomal dominant polycystic kidney disease. Last evaluated: 2023-12-23. Review status: criteria provided, single submitter. Criteria: Invitae Variant Classification Sherloc (09022015). Collection method: clinical testing. Allele origin: germline.
Comment: This variant, c.208_219del, results in the deletion of 4 amino acid(s) of the PKD2 protein (p.Gly70_Ala73del), but otherwise preserves the integrity of the reading frame. This variant is not present in population databases (gnomAD no frequency). This variant has not been reported in the literature in individuals affected with PKD2-related conditions. Experimental studies and prediction algorithms are not available or were not evaluated, and the functional significance of this variant is currently unknown. In summary, the available evidence is currently insufficient to determine the role of this variant in disease. Therefore, it has been classified as a Variant of Uncertain Significance.

NM_000297.4(PKD2):c.208_219del (p.Gly70_Ala73del)

Genes: PKD2 (polycystin 2, transient receptor potential cation channel; plus strand), LOC129992813 (ATAC-STARR-seq lymphoblastoid silent region 15559; plus strand). Cytogenetic location: 4q22.1.
Variant type: Deletion.
Coding change: c.208_219del on transcript NM_000297.4 (MANE Select); coding-DNA positions 208 to 219, 12 bases deleted (GGAGCCGCGGCC).
Protein change: p.Gly70_Ala73del.
Molecular consequence: inframe deletion. On other transcripts: non-coding transcript variant (1).
Genome position (GRCh38, 1-based): chr4:88,007,941-88,007,952, GGAGCCGCGGCC deleted; deleting any 12 consecutive bases within chr4:88,007,936-88,007,952 gives the same sequence; the c. name uses the placement nearest the transcript's 3' end. VCF-style (leftmost placement, unchanged base first): chr4-88007935-CCGGCCGGAGCCG-C. GRCh37 (hg19) VCF-style: chr4-88929087-CCGGCCGGAGCCG-C.
Identifiers: ClinVar variation 2987154 (VCV002987154.3), dbSNP rs915496576, ClinGen allele CA100873084.